The following is an entry in ClinVar:

ClinVar aggregate classification (germline): Uncertain significance (1 of 4 stars; one submission).

Conditions:
Spastic paraplegia. Identifiers: MedGen C0037772, HP:0001258.

Allele frequency attached by ClinVar (database versions not stated): TOPMed below 0.00001.

Submission:

Labcorp Genetics (formerly Invitae), Labcorp
Classification: Uncertain significance for Spastic paraplegia. Last evaluated: 2025-02-04. Review status: criteria provided, single submitter. Criteria: Invitae Variant Classification Sherloc (09022015). Collection method: clinical testing. Allele origin: germline.
Comment: This sequence change replaces arginine, which is basic and polar, with histidine, which is basic and polar, at codon 144 of the KIF5A protein (p.Arg144His). This variant is not present in population databases (gnomAD no frequency). This variant has not been reported in the literature in individuals affected with KIF5A-related conditions. ClinVar contains an entry for this variant (Variation ID: 1981355). Invitae Evidence Modeling of protein sequence and biophysical properties (such as structural, functional, and spatial information, amino acid conservation, physicochemical variation, residue mobility, and thermodynamic stability) has been performed for this missense variant. However, the output from this modeling did not meet the statistical confidence thresholds required to predict the impact of this variant on KIF5A protein function. In summary, the available evidence is currently insufficient to determine the role of this variant in disease. Therefore, it has been classified as a Variant of Uncertain Significance.

NM_004984.4(KIF5A):c.431G>A (p.Arg144His)

Gene: KIF5A (kinesin family member 5A; plus strand). Cytogenetic location: 12q13.3.
Variant type: single nucleotide variant.
Coding change: c.431G>A on transcript NM_004984.4 (MANE Select); coding-DNA position 431, G replaced by A.
Protein change: p.Arg144His; replaces arginine 144 with histidine.
Molecular consequence: missense variant.
Genome position (GRCh38, 1-based): chr12:57,564,494, G>A. VCF-style: chr12-57564494-G-A. GRCh37 (hg19) VCF-style: chr12-57958277-G-A.
Other names: c.164G>A, p.Arg55His (NM_001354705.2); short protein forms R55H, R144H.
Identifiers: ClinVar variation 1981355 (VCV001981355.4), dbSNP rs1882003983, ClinGen allele CA385495333.